The following is an entry in ClinVar:

NC_000001.11:g.230710441G>A

Gene: AGT (angiotensinogen; minus strand). Cytogenetic location: 1q42.2.
Variant type: single nucleotide variant.
Genome position: GRCh38 VCF-style: chr1-230710441-G-A. GRCh37 (hg19) VCF-style: chr1-230846187-G-A.
Other names: NM_000029.3:c.410C>T; NM_000029.4:c.410C>T; p.Thr137Met.
Identifiers: ClinVar variation 731749 (VCV000731749.48), dbSNP rs34829218, ClinGen allele CA1448309.

ClinVar aggregate classification (germline): Benign/Likely benign. Review status: criteria provided, multiple submitters, no conflicts (2 of 4 stars). 9 submissions from 9 submitters: Benign (2); Likely benign (5). 2 of the submissions do not count toward it. Last evaluated 2026-04-01.

Conditions:
AGT-related disorder. Also called: AGT-related condition.
Essential hypertension, genetic (EHT). Identifiers: MedGen CN305331, MONDO:0007781, OMIM 145500.
Renal tubular dysgenesis of genetic origin. Also called: PRIMITIVE RENAL TUBULE SYNDROME. Identifiers: Orphanet 97369, MedGen C5681536, MONDO:0009970, OMIM 267430.
Renal tubular dysgenesis. Also called: Renotubular dysgenesis. Identifiers: Orphanet 3033, MedGen C0266313, MONDO:0017609, HP:0008660.

Allele frequency attached by ClinVar (database versions not stated): ExAC 0.00319; gnomAD 0.00325 and 0.00316; TOPMed 0.00345; ESP Exome Variant Server 0.00369; 1000 Genomes Project 30x 0.00187; 1000 Genomes Project 0.00220.
gnomAD v4.1: 7,866 of 1,614,234 alleles (0.49%); highest among the groups gnomAD compares: South Asian, 0.62%; 36 homozygotes.

Submissions (9):

CeGaT Center for Human Genetics Tuebingen
Classification: Likely benign. Last evaluated: 2026-04-01. Review status: criteria provided, single submitter. Criteria: CeGaT Center For Human Genetics Tuebingen Variant Classification Criteria Version 2. Collection method: clinical testing. Allele origin: germline. Affected: yes. Observed: 3 variant alleles.
Comment: AGT: BP4, BS2

Labcorp Genetics (formerly Invitae), Labcorp
Classification: Likely benign. Last evaluated: 2026-01-26. Review status: criteria provided, single submitter. Criteria: Invitae Variant Classification Sherloc (09022015). Collection method: clinical testing. Allele origin: germline.

Blueprint Genetics
Classification: Likely benign. Last evaluated: 2024-11-26. Review status: criteria provided, single submitter. Criteria: ACMG Guidelines, 2015. Collection method: clinical testing. Allele origin: germline.

Mayo Clinic Laboratories, Mayo Clinic
Classification: Benign. Last evaluated: 2023-01-16. Review status: criteria provided, single submitter. Criteria: ACMG Guidelines, 2015. Collection method: clinical testing. Allele origin: germline. Observed: 3 variant alleles.
Comment: BS1, BS2

Fulgent Genetics
Classification: Likely benign for Essential hypertension, genetic; Renal tubular dysgenesis of genetic origin. Last evaluated: 2021-07-01. Review status: criteria provided, single submitter. Criteria: ACMG Guidelines, 2015. Collection method: clinical testing. Allele origin: unknown.

Illumina Laboratory Services, Illumina
Classification: Benign for Renal tubular dysgenesis of genetic origin. Last evaluated: 2017-04-27. Review status: criteria provided, single submitter. Criteria: ICSL Variant Classification Criteria 13 December 2019. Collection method: clinical testing. Allele origin: germline.
Comment: This variant was observed as part of a predisposition screen in an ostensibly healthy population. A literature search was performed for the gene, cDNA change, and amino acid change (where applicable). Publications were found based on this search. The evidence from the literature, in combination with allele frequency data from public databases where available, was sufficient to rule this variant out of causing disease. Therefore, this variant is classified as benign.

Breakthrough Genomics
Classification: Likely benign. Review status: criteria provided, single submitter. Criteria: ACMG Guidelines, 2015. Collection method: not provided. Allele origin: germline. Inheritance: Autosomal recessive inheritance. Affected: yes.

PreventionGenetics, part of Exact Sciences
Classification: Likely benign for AGT-related condition. Last evaluated: 2019-05-15. Review status: no assertion criteria provided. Collection method: clinical testing. Allele origin: germline. Not counted in ClinVar's aggregate classification.
Comment: This variant is classified as likely benign based on ACMG/AMP sequence variant interpretation guidelines (Richards et al. 2015 PMID: 25741868, with internal and published modifications).

Department of Pathology and Laboratory Medicine, Sinai Health System
Classification: Likely benign. Review status: no assertion criteria provided. Collection method: clinical testing. Allele origin: unknown. Affected: yes. Study: The Canadian Open Genetics Repository (COGR). Not counted in ClinVar's aggregate classification.
Comment: The AGT p.Thr137Met variant was identified in 3 of 430 proband chromosomes (frequency: 0.00698) from individuals with hypertension (Padma_2015_PMID:24452034). The variant was identified in dbSNP (ID: rs34829218) but was not identified in ClinVar. The variant was identified in control databases in 887 of 282870 chromosomes (2 homozygous) at a frequency of 0.003136 increasing the likelihood this could be a low frequency benign variant (Genome Aggregation Database March 6, 2019, v2.1.1). The variant was observed in the following populations: South Asian in 183 of 30616 chromosomes (freq: 0.005977), European (non-Finnish) in 578 of 129176 chromosomes (freq: 0.004475), Other in 28 of 7224 chromosomes (freq: 0.003876), Ashkenazi Jewish in 14 of 10370 chromosomes (freq: 0.00135), African in 32 of 24966 chromosomes (freq: 0.001282), Latino in 41 of 35440 chromosomes (freq: 0.001157), European (Finnish) in 8 of 25124 chromosomes (freq: 0.000318), and East Asian in 3 of 19954 chromosomes (freq: 0.00015). The p.Thr137 residue is not conserved in mammals and four out of five computational analyses (PolyPhen-2, SIFT, AlignGVGD, BLOSUM, MutationTaster) do not suggest a high likelihood of impact to the protein; however, this information is not predictive enough to rule out pathogenicity. The variant occurs outside of the splicing consensus sequence and in silico or computational prediction software programs (SpliceSiteFinder, MaxEntScan, NNSPLICE, GeneSplicer) do not predict a difference in splicing. In summary, based on the above information the clinical significance of this variant cannot be determined with certainty at this time although we would lean towards a more benign role for this variant. This variant is classified as likely benign.

Literature cited by the submitters: PubMed 24452034 (cited by Illumina Laboratory Services, Illumina); PubMed 25278896 (cited by Illumina Laboratory Services, Illumina).